The following is an entry in ClinVar:

ClinVar aggregate classification (germline): Uncertain significance (1 of 4 stars; one submission).

Conditions:
Hereditary cancer-predisposing syndrome. Also called: Hereditary neoplastic syndrome; Hereditary Cancer Syndrome; Neoplastic Syndromes, Hereditary; Tumor predisposition. Identifiers: Orphanet 140162, MedGen C0027672, MeSH D009386, MONDO:0015356.

Submission:

Ambry Genetics
Classification: Uncertain significance for Hereditary cancer-predisposing syndrome. Last evaluated: 2023-04-18. Review status: criteria provided, single submitter. Criteria: Ambry Variant Classification Scheme 2023. Collection method: clinical testing. Allele origin: germline.
Comment: The p.S2161I variant (also known as c.6482G>T), located in coding exon 15 of the APC gene, results from a G to T substitution at nucleotide position 6482. The serine at codon 2161 is replaced by isoleucine, an amino acid with dissimilar properties. This amino acid position is conserved. In addition, in silico predictors for this gene do not accurately predict pathogenicity. Since supporting evidence is limited at this time, the clinical significance of this alteration remains unclear.

NM_000038.6(APC):c.6482G>T (p.Ser2161Ile)

Gene: APC (APC regulator of Wnt signaling pathway; plus strand). Cytogenetic location: 5q22.2.
Variant type: single nucleotide variant.
Coding change: c.6482G>T on transcript NM_000038.6 (MANE Select); coding-DNA position 6482, G replaced by T.
Protein change: p.Ser2161Ile; replaces serine 2161 with isoleucine.
Molecular consequence: missense variant. On other transcripts: non-coding transcript variant (2).
Genome position (GRCh38, 1-based): chr5:112,842,076, G>T. VCF-style: chr5-112842076-G-T. GRCh37 (hg19) VCF-style: chr5-112177773-G-T.
Other names: c.6482G>T, p.Ser2161Ile (NM_001127510.3, NM_001354895.2, NM_001407450.1); c.6428G>T, p.Ser2143Ile (NM_001127511.3); c.6536G>T, p.Ser2179Ile (NM_001354896.2, NM_001407447.1, NM_001407448.1 and 1 more transcripts); c.6512G>T, p.Ser2171Ile (NM_001354897.2); c.6407G>T, p.Ser2136Ile (NM_001354898.2); c.6398G>T, p.Ser2133Ile (NM_001354899.2); c.6359G>T, p.Ser2120Ile (NM_001354900.2); c.6305G>T, p.Ser2102Ile (NM_001354901.2, NM_001407453.1); and 11 more; short protein forms S2078I, S2120I, S2060I, S2102I, S2151I, S2161I, S2171I, S2179I.
Identifiers: ClinVar variation 2566982 (VCV002566982.2), dbSNP rs1374834291, ClinGen allele CA16035519.